The following is an entry in ClinVar:

ClinVar aggregate classification (germline): Uncertain significance. Review status: criteria provided, multiple submitters, no conflicts (2 of 4 stars). 3 submissions from 3 submitters: Uncertain significance (3). Last evaluated 2021-10-04.

Conditions:
Donnai-Barrow syndrome. Also called: DBS/FOAR SYNDROME; FACIOOCULOACOUSTICORENAL SYNDROME. Identifiers: Orphanet 2143, MedGen C1857277, MONDO:0009104, OMIM 222448.

Allele frequency attached by ClinVar (database versions not stated): gnomAD exomes below 0.00001; ExAC 0.00001; TOPMed 0.00001.
gnomAD v4.1: 8 of 1,614,068 alleles (0.0005%); highest among the groups gnomAD compares: Non-Finnish European, 0.00068%; no homozygotes.

Submissions (3):

Fulgent Genetics
Classification: Uncertain significance for Donnai-Barrow syndrome. Last evaluated: 2021-10-04. Review status: criteria provided, single submitter. Criteria: ACMG Guidelines, 2015. Collection method: clinical testing. Allele origin: unknown.

Labcorp Genetics (formerly Invitae), Labcorp
Classification: Uncertain significance. Last evaluated: 2021-09-01. Review status: criteria provided, single submitter. Criteria: Invitae Variant Classification Sherloc (09022015). Collection method: clinical testing. Allele origin: germline.
Comment: This sequence change replaces leucine with phenylalanine at codon 3735 of the LRP2 protein (p.Leu3735Phe). The leucine residue is highly conserved and there is a small physicochemical difference between leucine and phenylalanine. This variant is present in population databases (rs755720299, ExAC 0.001%). This variant has not been reported in the literature in individuals affected with LRP2-related conditions. ClinVar contains an entry for this variant (Variation ID: 893421). Advanced modeling of protein sequence and biophysical properties (such as structural, functional, and spatial information, amino acid conservation, physicochemical variation, residue mobility, and thermodynamic stability) performed at Invitae indicates that this missense variant is expected to disrupt LRP2 protein function. In summary, the available evidence is currently insufficient to determine the role of this variant in disease. Therefore, it has been classified as a Variant of Uncertain Significance.

Illumina Laboratory Services, Illumina
Classification: Uncertain significance for Donnai-Barrow syndrome. Last evaluated: 2018-01-12. Review status: criteria provided, single submitter. Criteria: ICSL Variant Classification Criteria 13 December 2019. Collection method: clinical testing. Allele origin: germline.

NM_004525.3(LRP2):c.11203C>T (p.Leu3735Phe)

Gene: LRP2 (LDL receptor related protein 2; minus strand). Cytogenetic location: 2q31.1.
Variant type: single nucleotide variant.
Coding change: c.11203C>T on transcript NM_004525.3 (MANE Select); coding-DNA position 11203, C replaced by T.
Protein change: p.Leu3735Phe; replaces leucine 3735 with phenylalanine.
Molecular consequence: missense variant.
Genome position (GRCh38, 1-based): chr2:169,172,075, G>A on the plus strand (C>T on the coding strand, the complement: LRP2 is on the minus strand). VCF-style: chr2-169172075-G-A. GRCh37 (hg19) VCF-style: chr2-170028585-G-A.
Other names: short protein forms L3735F.
Identifiers: ClinVar variation 893421 (VCV000893421.9), dbSNP rs755720299, ClinGen allele CA1953149.